The following is an entry in ClinVar:

NM_138477.4(CDAN1):c.568G>A (p.Gly190Arg)

Gene: CDAN1 (codanin 1; minus strand). Cytogenetic location: 15q15.2.
Variant type: single nucleotide variant.
Coding change: c.568G>A on transcript NM_138477.4 (MANE Select); coding-DNA position 568, G replaced by A.
Protein change: p.Gly190Arg; replaces glycine 190 with arginine.
Molecular consequence: missense variant.
Genome position (GRCh38, 1-based): chr15:42,736,303, C>T on the plus strand (G>A on the coding strand, the complement: CDAN1 is on the minus strand). VCF-style: chr15-42736303-C-T. GRCh37 (hg19) VCF-style: chr15-43028501-C-T.
Other names: short protein forms G190R.
Identifiers: ClinVar variation 2189534 (VCV002189534.4), dbSNP rs868647480, ClinGen allele CA269912628.

ClinVar aggregate classification (germline): Uncertain significance (1 of 4 stars; one submission).

Allele frequency attached by ClinVar (database versions not stated): gnomAD exomes below 0.00001; gnomAD 0.00001.
gnomAD v4.1: 4 of 1,613,524 alleles (0.00025%); highest among the groups gnomAD compares: African/African-American, 0.004%; no homozygotes.

Submission:

Labcorp Genetics (formerly Invitae), Labcorp
Classification: Uncertain significance. Last evaluated: 2022-06-05. Review status: criteria provided, single submitter. Criteria: Invitae Variant Classification Sherloc (09022015). Collection method: clinical testing. Allele origin: germline.
Comment: This variant has not been reported in the literature in individuals affected with CDAN1-related conditions. Algorithms developed to predict the effect of missense changes on protein structure and function are either unavailable or do not agree on the potential impact of this missense change (SIFT: "Tolerated"; PolyPhen-2: "Possibly Damaging"; Align-GVGD: "Class C0"). Algorithms developed to predict the effect of sequence changes on RNA splicing suggest that this variant may disrupt the consensus splice site. In summary, the available evidence is currently insufficient to determine the role of this variant in disease. Therefore, it has been classified as a Variant of Uncertain Significance. This variant is present in population databases (no rsID available, gnomAD 0.01%). This sequence change replaces glycine, which is neutral and non-polar, with arginine, which is basic and polar, at codon 190 of the CDAN1 protein (p.Gly190Arg).